The following is an entry in ClinVar:

ClinVar aggregate classification (germline): Conflicting classifications of pathogenicity. Review status: criteria provided, conflicting classifications (1 of 4 stars). 11 submissions from 10 submitters: Uncertain significance (1); Benign (6); Likely benign (1). 3 of the submissions do not count toward it. Last evaluated 2026-02-04.

Conditions:
Usher syndrome type 1 (USH1). Also called: RETINITIS PIGMENTOSA AND CONGENITAL DEAFNESS. Identifiers: Orphanet 231169, Orphanet 886, MedGen C1568247, MONDO:0010168, OMIM 276900.
Usher syndrome type 1D (USH1D). Also called: USHER SYNDROME, TYPE ID. Identifiers: Orphanet 231169, Orphanet 886, MedGen C1832845, MONDO:0010984, OMIM 601067.
Autosomal recessive nonsyndromic hearing loss 12. Also called: DEAFNESS, AUTOSOMAL RECESSIVE 12. Identifiers: Orphanet 90636, MedGen C1832394, MONDO:0011067, OMIM 601386.

Allele frequency attached by ClinVar (database versions not stated): ESP Exome Variant Server 0.00057; gnomAD 0.00063 and 0.00117; TOPMed 0.00088; gnomAD exomes 0.00185 and 0.00317; ExAC 0.00357; 1000 Genomes Project 30x 0.00437; 1000 Genomes Project 0.00479.
gnomAD v4.1: 2,924 of 1,613,968 alleles (0.18%); highest among the groups gnomAD compares: South Asian, 1.9%; 40 homozygotes.

Submissions (11):

Labcorp Genetics (formerly Invitae), Labcorp
Classification: Benign. Last evaluated: 2026-02-04. Review status: criteria provided, single submitter. Criteria: Invitae Variant Classification Sherloc (09022015). Collection method: clinical testing. Allele origin: germline.

ARUP Laboratories, Molecular Genetics and Genomics, ARUP Laboratories
Classification: Benign. Last evaluated: 2022-10-20. Review status: criteria provided, single submitter. Criteria: ARUP Molecular Germline Variant Investigation Process 2021. Collection method: clinical testing. Allele origin: germline.

Genome-Nilou Lab
Classification: Likely benign for Usher syndrome type 1D. Last evaluated: 2021-05-18. Review status: criteria provided, single submitter. Criteria: ACMG Guidelines, 2015. Collection method: clinical testing. Allele origin: germline. Affected: no.

GeneDx
Classification: Benign. Last evaluated: 2019-12-31. Review status: criteria provided, single submitter. Criteria: GeneDx Variant Classification Process June 2021. Collection method: clinical testing. Allele origin: germline. Affected: yes.
Comment: This variant is associated with the following publications: (PMID: 18429043, 12075507)

Illumina Laboratory Services, Illumina
Classification: Uncertain significance for Autosomal recessive nonsyndromic hearing loss 12. Last evaluated: 2017-04-27. Review status: criteria provided, single submitter. Criteria: ICSL Variant Classification Criteria 13 December 2019. Collection method: clinical testing. Allele origin: germline.
Comment: This variant was observed as part of a predisposition screen in an ostensibly healthy population. A literature search was performed for the gene, cDNA change, and amino acid change (where applicable). Publications were found based on this search. However, the evidence from the literature, in combination with allele frequency data from public databases where available, was not sufficient to rule this variant in or out of causing disease. Therefore, this variant is classified as a variant of unknown significance.

Illumina Laboratory Services, Illumina
Classification: Benign for Usher syndrome type 1D. Last evaluated: 2017-04-27. Review status: criteria provided, single submitter. Criteria: ICSL Variant Classification Criteria 13 December 2019. Collection method: clinical testing. Allele origin: germline.
Comment: This variant was observed as part of a predisposition screen in an ostensibly healthy population. A literature search was performed for the gene, cDNA change, and amino acid change (where applicable). No publications were found based on this search. Allele frequency data from public databases was too high to be consistent with this variant causing disease. Therefore, this variant is classified as benign.

Laboratory for Molecular Medicine, Mass General Brigham Personalized Medicine
Classification: Benign. Last evaluated: 2015-12-17. Review status: criteria provided, single submitter. Criteria: LMM Criteria. Collection method: clinical testing. Allele origin: germline. Observed: 4 variant alleles.
Comment: p.Leu2306Leu in exon 51 of CDH23: This variant is not expected to have clinical significance because it does not alter an amino acid residue, is not located nea r a splice junction, has been identified in 1.8% (311/16512) of South Asian chro mosomes by the Exome Aggregation Consortium (ExAC, g; dbSNP rs146819206).

Eurofins Ntd Llc (ga)
Classification: Benign. Last evaluated: 2015-11-25. Review status: criteria provided, single submitter. Criteria: EGL Classification Definitions 2015. Collection method: clinical testing. Allele origin: germline. Observed: 1 variant allele, 1 heterozygote.

Natera, Inc.
Classification: Likely benign for Usher syndrome type 1. Last evaluated: 2019-12-03. Review status: no assertion criteria provided. Collection method: clinical testing. Allele origin: germline. Not counted in ClinVar's aggregate classification.

Clinical Genetics DNA and cytogenetics Diagnostics Lab, Erasmus MC, Erasmus Medical Center
Classification: Benign. Review status: no assertion criteria provided. Collection method: clinical testing. Allele origin: germline. Affected: yes. Study: VKGL Data-share Consensus. Not counted in ClinVar's aggregate classification.

Clinical Genetics, Academic Medical Center
Classification: Benign. Review status: no assertion criteria provided. Collection method: clinical testing. Allele origin: germline. Affected: yes. Study: VKGL Data-share Consensus. Not counted in ClinVar's aggregate classification.

Literature cited by the submitters: PubMed 12075507 (cited by Illumina Laboratory Services, Illumina and Laboratory for Molecular Medicine, Mass General Brigham Personalized Medicine); PubMed 18429043 (cited by Illumina Laboratory Services, Illumina and Laboratory for Molecular Medicine, Mass General Brigham Personalized Medicine).

NM_022124.6(CDH23):c.6918G>A (p.Leu2306=)

Gene: CDH23 (cadherin related 23; plus strand). Cytogenetic location: 10q22.1.
Variant type: single nucleotide variant.
Coding change: c.6918G>A on transcript NM_022124.6 (MANE Select); coding-DNA position 6918, G replaced by A.
Protein change: p.Leu2306=; no amino-acid change (leucine 2306 retained).
Molecular consequence: synonymous variant.
Genome position (GRCh38, 1-based): chr10:71,798,442, G>A. VCF-style: chr10-71798442-G-A. GRCh37 (hg19) VCF-style: chr10-73558199-G-A.
Other names: c.198G>A, p.Leu66= (NM_001171933.1, NM_001171934.1).
Identifiers: ClinVar variation 46022 (VCV000046022.29), dbSNP rs146819206, ClinGen allele CA137556.
Genomic context (GRCh38, chr10:71,798,442, plus strand): 5'-CAATGACAATACGCCCCAGTTCAAGCCCTTTGGGATCACCTACTACATGGAGCGGATCCT[G>A]GAGGGGGCCACCCCTGGGACCACACTCATTGCTGTGGCAGCCGTGGACCCTGACAAGGGC-3'
Protein context (NP_071407.4, residues 2296-2316): FGITYYMERI[Leu2306=]EGATPGTTLI